The following is an entry in ClinVar:

ClinVar aggregate classification (germline): Uncertain significance. Review status: criteria provided, multiple submitters, no conflicts (2 of 4 stars). 2 submissions from 2 submitters: Uncertain significance (2). Last evaluated 2024-01-05.

Conditions:
Hereditary cancer-predisposing syndrome. Also called: Neoplastic Syndromes, Hereditary; Tumor predisposition; Hereditary neoplastic syndrome; Hereditary Cancer Syndrome. Identifiers: Orphanet 140162, MedGen C0027672, MeSH D009386, MONDO:0015356.
Familial cancer of breast. Also called: hereditary breast carcinoma; BREAST CANCER, FAMILIAL; Hereditary breast cancer. Identifiers: Orphanet 227535, MedGen C0346153, MONDO:0016419, OMIM 114480. Disease mechanism: loss of function.

Submissions (2):

Ambry Genetics
Classification: Uncertain significance for Hereditary cancer-predisposing syndrome. Last evaluated: 2024-01-05. Review status: criteria provided, single submitter. Criteria: Ambry Variant Classification Scheme 2023. Collection method: clinical testing. Allele origin: germline.
Comment: The p.T1015S variant (also known as c.3044C>G), located in coding exon 10 of the PALB2 gene, results from a C to G substitution at nucleotide position 3044. The threonine at codon 1015 is replaced by serine, an amino acid with similar properties. This amino acid position is conserved. In addition, this alteration is predicted to be tolerated by in silico analysis. Since supporting evidence is limited at this time, the clinical significance of this alteration remains unclear.

Labcorp Genetics (formerly Invitae), Labcorp
Classification: Uncertain significance for Familial cancer of breast. Last evaluated: 2018-08-07. Review status: criteria provided, single submitter. Criteria: Invitae Variant Classification Sherloc (09022015). Collection method: clinical testing. Allele origin: germline.
Comment: This variant is not present in population databases (ExAC no frequency). This variant has not been reported in the literature in individuals with PALB2-related disease. Algorithms developed to predict the effect of missense changes on protein structure and function are either unavailable or do not agree on the potential impact of this missense change (SIFT: "Tolerated"; PolyPhen-2: "Possibly Damaging"; Align-GVGD: "Class C0"). In summary, the available evidence is currently insufficient to determine the role of this variant in disease. Therefore, it has been classified as a Variant of Uncertain Significance. This sequence change replaces threonine with serine at codon 1015 of the PALB2 protein (p.Thr1015Ser). The threonine residue is moderately conserved and there is a small physicochemical difference between threonine and serine.

NM_024675.4(PALB2):c.3044C>G (p.Thr1015Ser)

Gene: PALB2 (partner and localizer of BRCA2; minus strand). Cytogenetic location: 16p12.2.
Variant type: single nucleotide variant.
Coding change: c.3044C>G on transcript NM_024675.4 (MANE Select); coding-DNA position 3044, C replaced by G.
Protein change: p.Thr1015Ser; replaces threonine 1015 with serine.
Molecular consequence: missense variant.
Genome position (GRCh38, 1-based): chr16:23,621,431, G>C on the plus strand (C>G on the coding strand, the complement: PALB2 is on the minus strand). VCF-style: chr16-23621431-G-C. GRCh37 (hg19) VCF-style: chr16-23632752-G-C.
Other names: short protein forms T1015S.
Identifiers: ClinVar variation 642904 (VCV000642904.10), dbSNP rs367840862, ClinGen allele CA395143040.
Genomic context (GRCh38, chr16:23,621,431, plus strand): 5'-ATGTTGTTCATAATAGTAGTACCAAGCAGAGCTTCTTGCATCCCTTGGACCTCAGCAAAA[G>C]TTAGTATAGTCTCCTCAGGGGGCATCAAAAATTGGTTTTCTTTGCCTCTGTAATTAAAAC-3'
Protein context (NP_078951.2, residues 1005-1025): FLMPPEETIL[Thr1015Ser]FAEVQGMQEA